The following is an entry in ClinVar:

NM_025074.7(FRAS1):c.6323A>T (p.Asp2108Val)

Gene: FRAS1 (Fraser extracellular matrix complex subunit 1; plus strand). Cytogenetic location: 4q21.21.
Variant type: single nucleotide variant.
Coding change: c.6323A>T on transcript NM_025074.7 (MANE Select); coding-DNA position 6323, A replaced by T.
Protein change: p.Asp2108Val; replaces aspartic acid 2108 with valine.
Molecular consequence: missense variant.
Genome position (GRCh38, 1-based): chr4:78,450,199, A>T. VCF-style: chr4-78450199-A-T. GRCh37 (hg19) VCF-style: chr4-79371353-A-T.
Other names: short protein forms D2108V.
Identifiers: ClinVar variation 369978 (VCV000369978.3), dbSNP rs921444831, ClinGen allele CA99973547.

ClinVar aggregate classification (germline): Uncertain significance. Review status: criteria provided, multiple submitters, no conflicts (2 of 4 stars). 3 submissions from 3 submitters: Uncertain significance (2). 1 of the submissions does not count toward it. Last evaluated 2024-01-22.

Conditions:
Congenital diaphragmatic hernia. Also called: DIH; Congenital diaphragmatic defect; Unilateral agenesis of diaphragm; Agenesis of hemidiaphragm. Identifiers: Orphanet 2140, MedGen C0235833, MeSH D065630, MONDO:0005711, HP:0000776.
Fraser syndrome 1 (FRASRS1). Also called: CRYPTOPHTHALMOS WITH OTHER MALFORMATIONS. Identifiers: Orphanet 2052, MedGen C4551480, MONDO:0054737, OMIM 219000.

Allele frequency attached by ClinVar (database versions not stated): gnomAD 0.00001; TOPMed 0.00002.
gnomAD v4.1: 14 of 1,613,666 alleles (0.00087%); highest among the groups gnomAD compares: East Asian, 0.0022%; no homozygotes.

Submissions (3):

Fulgent Genetics
Classification: Uncertain significance for Fraser syndrome 1. Last evaluated: 2024-01-22. Review status: criteria provided, single submitter. Criteria: ACMG Guidelines, 2015. Collection method: clinical testing. Allele origin: germline.

GeneDx
Classification: Uncertain significance. Last evaluated: 2024-01-19. Review status: criteria provided, single submitter. Criteria: GeneDx Variant Classification Process June 2021. Collection method: clinical testing. Allele origin: germline. Affected: yes.
Comment: Reported as a paternally inherited variant in a patient with congenital diaphragmatic hernia who also harbored maternally inherited variants in the FREM2 and ROBO4 genes (PMID: 29618029); Not observed at significant frequency in large population cohorts (gnomAD); In silico analysis supports that this missense variant has a deleterious effect on protein structure/function; This variant is associated with the following publications: (PMID: 29618029)

Daryl Scott Lab, Baylor College of Medicine
Classification: risk factor for Congenital diaphragmatic hernia. Last evaluated: 2016-11-09. Review status: no assertion criteria provided. Collection method: research. Allele origin: inherited. Affected: yes. Observed: 1 heterozygote. Not counted in ClinVar's aggregate classification.